The following is an entry in ClinVar:

ClinVar aggregate classification (germline): Uncertain significance (1 of 4 stars; one submission).

Conditions:
Inborn genetic diseases. Identifiers: MedGen C0950123, MeSH D030342.

gnomAD v4.1: 531 of 1,612,106 alleles (0.033%); highest among the groups gnomAD compares: South Asian, 0.51%; 5 homozygotes.

Submission:

Ambry Genetics
Classification: Uncertain significance for Inborn genetic diseases. Last evaluated: 2025-04-22. Review status: criteria provided, single submitter. Criteria: Ambry Variant Classification Scheme 2023. Collection method: clinical testing. Allele origin: germline.
Comment: Does not currently meet published gene-disease clinical validity criteria Based on insufficient or conflicting evidence, the clinical significance of this alteration remains unclear.

Literature cited by the submitters: PubMed 28106320.

NM_018245.3(OGDHL):c.1732+6C>T

Gene: OGDHL (oxoglutarate dehydrogenase L; minus strand). Cytogenetic location: 10q11.23.
Variant type: single nucleotide variant.
Coding change: c.1732+6C>T on transcript NM_018245.3 (MANE Select); 6 bases into the intron after coding-DNA position 1732, C replaced by T.
Molecular consequence: intron variant.
Genome position (GRCh38, 1-based): chr10:49,744,644, G>A on the plus strand (C>T on the coding strand, the complement: OGDHL is on the minus strand). VCF-style: chr10-49744644-G-A. GRCh37 (hg19) VCF-style: chr10-50952690-G-A.
Other names: c.1105+6C>T (NM_001347822.1, NM_001143997.2, NM_001347821.2); c.1561+6C>T (NM_001347820.1, NM_001143996.2); c.535+6C>T (NM_001347826.1); c.1552+6C>T (NM_001347823.1, NM_001347824.2); c.925+6C>T (NM_001347825.2); c.1732+6C>T (NM_001347819.1).
Identifiers: ClinVar variation 3923923 (VCV003923923.1).